The following is an entry in ClinVar:

ClinVar aggregate classification (germline): Benign. Review status: criteria provided, multiple submitters, no conflicts (2 of 4 stars). 6 submissions from 4 submitters: Benign (6). Last evaluated 2018-01-13.

Conditions:
TP63-Related Spectrum Disorders.
Ectrodactyly, ectodermal dysplasia, and cleft lip-palate syndrome 3. Also called: Ectrodactyly, Ectodermal Dysplasia, Clefting Syndrome; Ectrodactyly, Ectodermal Dysplasia, Cleft Lip/Palate Syndrome 3 (EEC3); EEC SYNDROME 3; Ectrodactyly, Ectodermal Dysplasia, Clefting Syndrome Type 3 (EEC3). Identifiers: Orphanet 1896, MedGen C1858562, MONDO:0011428, OMIM 604292.
Orofacial cleft 8. Also called: Cleft lip with or without cleft palate, nonsyndromic, 8. Identifiers: MedGen C1851878, MONDO:0029145, OMIM 618149.

Allele frequency attached by ClinVar (database versions not stated): 1000 Genomes Project 0.02815; 1000 Genomes Project 30x 0.02904; gnomAD 0.05238 and 0.05395; TOPMed 0.05282; ESP Exome Variant Server 0.05777.
gnomAD v4.1: 107,971 of 1,605,380 alleles (6.7%); highest among the groups gnomAD compares: Middle Eastern, 9.7%; 4,123 homozygotes.

Submissions (6):

Illumina Laboratory Services, Illumina
Classification: Benign for TP63-Related Spectrum Disorders. Last evaluated: 2018-01-13. Review status: criteria provided, single submitter. Criteria: ICSL Variant Classification Criteria 13 December 2019. Collection method: clinical testing. Allele origin: germline.
Comment: This variant was observed in the ICSL laboratory as part of a predisposition screen in an ostensibly healthy population. It had not been previously curated by ICSL or reported in the Human Gene Mutation Database (HGMD: prior to June 1st, 2018), and was therefore a candidate for classification through an automated scoring system. Utilizing variant allele frequency, disease prevalence and penetrance estimates, and inheritance mode, an automated score was calculated to assess if this variant is too frequent to cause the disease. Based on the score and internal cut-off values, a variant classified as benign is not then subjected to further curation. The score for this variant resulted in a classification of benign for this disease.

Illumina Laboratory Services, Illumina
Classification: Benign for Orofacial cleft 8. Last evaluated: 2018-01-13. Review status: criteria provided, single submitter. Criteria: ICSL Variant Classification Criteria 13 December 2019. Collection method: clinical testing. Allele origin: germline.
Comment: the same text as in the submission from Illumina Laboratory Services, Illumina above.

Illumina Laboratory Services, Illumina
Classification: Benign for Ectrodactyly, ectodermal dysplasia, and cleft lip-palate syndrome 3. Last evaluated: 2018-01-13. Review status: criteria provided, single submitter. Criteria: ICSL Variant Classification Criteria 13 December 2019. Collection method: clinical testing. Allele origin: germline.
Comment: the same text as in the submission from Illumina Laboratory Services, Illumina above.

GeneDx
Classification: Benign. Last evaluated: 2015-03-03. Review status: criteria provided, single submitter. Criteria: GeneDx Variant Classification Process June 2021. Collection method: clinical testing. Allele origin: germline. Affected: yes.

Breakthrough Genomics
Classification: Benign. Review status: criteria provided, single submitter. Criteria: ACMG Guidelines, 2015. Collection method: not provided. Allele origin: germline. Inheritance: Autosomal dominant inheritance. Affected: yes.

PreventionGenetics, part of Exact Sciences
Classification: Benign. Review status: criteria provided, single submitter. Criteria: ACMG Guidelines, 2015. Collection method: clinical testing. Allele origin: germline.

NM_003722.5(TP63):c.*45C>T

Gene: TP63 (tumor protein p63; plus strand). Cytogenetic location: 3q28.
Variant type: single nucleotide variant.
Coding change: c.*45C>T on transcript NM_003722.5 (MANE Select); 45 bases downstream of the stop codon, C replaced by T.
Molecular consequence: 3 prime UTR variant.
Genome position (GRCh38, 1-based): chr3:189,894,547, C>T. VCF-style: chr3-189894547-C-T. GRCh37 (hg19) VCF-style: chr3-189612336-C-T.
Other names: c.*326C>T (NM_001114978.2, NM_001114981.2); c.*45C>T (NM_001114980.2, NM_001329146.2, NM_001329148.2 and 1 more transcripts); c.*316C>T (NM_001329144.2, NM_001329145.2, NM_001329149.2 and 1 more transcripts).
Identifiers: ClinVar variation 259123 (VCV000259123.9), dbSNP rs34057105, ClinGen allele CA2752631.